The following is an entry in ClinVar:

NM_020632.3(ATP6V0A4):c.2515G>A (p.Glu839Lys)

Gene: ATP6V0A4 (ATPase H+ transporting V0 subunit a4; minus strand). Cytogenetic location: 7q34.
Variant type: single nucleotide variant.
Coding change: c.2515G>A on transcript NM_020632.3 (MANE Select); coding-DNA position 2515, G replaced by A.
Protein change: p.Glu839Lys; replaces glutamic acid 839 with lysine.
Molecular consequence: missense variant.
Genome position (GRCh38, 1-based): chr7:138,706,632, C>T on the plus strand (G>A on the coding strand, the complement: ATP6V0A4 is on the minus strand). VCF-style: chr7-138706632-C-T. GRCh37 (hg19) VCF-style: chr7-138391377-C-T.
Other names: c.2515G>A, p.Glu839Lys (NM_130840.3, NM_130841.3); c.2515G>A (NM_020632.2); short protein forms E839K.
Identifiers: ClinVar variation 2189429 (VCV002189429.3), dbSNP rs374305455, ClinGen allele CA4504400.

ClinVar aggregate classification (germline): Uncertain significance. Review status: criteria provided, multiple submitters, no conflicts (2 of 4 stars). 3 submissions from 3 submitters: Uncertain significance (3). Last evaluated 2024-06-11.

Conditions:
Inborn genetic diseases. Identifiers: MedGen C0950123, MeSH D030342.
Renal tubular acidosis, distal, 3, with or without sensorineural hearing loss (DRTA3). Identifiers: MedGen C5399980, MONDO:0011268, OMIM 602722.

Allele frequency attached by ClinVar (database versions not stated): gnomAD exomes 0.00001; ExAC 0.00002; ESP Exome Variant Server 0.00008; gnomAD 0.00009; TOPMed 0.00009.
gnomAD v4.1: 33 of 1,613,920 alleles (0.002%); highest among the groups gnomAD compares: African/African-American, 0.025%; no homozygotes.

Submissions (3):

Fulgent Genetics
Classification: Uncertain significance for Renal tubular acidosis, distal, 3, with or without sensorineural hearing loss. Last evaluated: 2024-06-11. Review status: criteria provided, single submitter. Criteria: ACMG Guidelines, 2015. Collection method: clinical testing. Allele origin: germline.

Ambry Genetics
Classification: Uncertain significance for Inborn genetic diseases. Last evaluated: 2024-02-21. Review status: criteria provided, single submitter. Criteria: Ambry Variant Classification Scheme 2023. Collection method: clinical testing. Allele origin: germline.

Labcorp Genetics (formerly Invitae), Labcorp
Classification: Uncertain significance. Last evaluated: 2022-08-22. Review status: criteria provided, single submitter. Criteria: Invitae Variant Classification Sherloc (09022015). Collection method: clinical testing. Allele origin: germline.
Comment: This sequence change replaces glutamic acid, which is acidic and polar, with lysine, which is basic and polar, at codon 839 of the ATP6V0A4 protein (p.Glu839Lys). This variant is present in population databases (rs374305455, gnomAD 0.02%). This variant has not been reported in the literature in individuals affected with ATP6V0A4-related conditions. Algorithms developed to predict the effect of missense changes on protein structure and function are either unavailable or do not agree on the potential impact of this missense change (SIFT: "Tolerated"; PolyPhen-2: "Possibly Damaging"; Align-GVGD: "Class C0"). In summary, the available evidence is currently insufficient to determine the role of this variant in disease. Therefore, it has been classified as a Variant of Uncertain Significance.